The following is an entry in ClinVar:

NM_001364905.1(LRBA):c.8531G>A (p.Trp2844Ter)

Gene: LRBA (LPS responsive beige-like anchor protein; minus strand). Cytogenetic location: 4q31.3.
Variant type: single nucleotide variant.
Coding change: c.8531G>A on transcript NM_001364905.1 (MANE Select); coding-DNA position 8531, G replaced by A.
Protein change: p.Trp2844Ter; replaces tryptophan 2844 with a stop codon.
Molecular consequence: nonsense.
Genome position (GRCh38, 1-based): chr4:150,265,750, C>T on the plus strand (G>A on the coding strand, the complement: LRBA is on the minus strand). VCF-style: chr4-150265750-C-T. GRCh37 (hg19) VCF-style: chr4-151186902-C-T.
Other names: c.8528G>A, p.Trp2843Ter (NM_001199282.3); c.8546G>A, p.Trp2849Ter (NM_001367550.1); c.8564G>A, p.Trp2855Ter (NM_006726.5); short protein forms W2855*, W2843*, W2844*, W2849*.
Identifiers: ClinVar variation 540394 (VCV000540394.8), dbSNP rs1323561325, ClinGen allele CA358436657.

ClinVar aggregate classification (germline): Uncertain significance. Review status: criteria provided, multiple submitters, no conflicts (2 of 4 stars). 2 submissions from 2 submitters: Uncertain significance (2). Last evaluated 2023-08-14.

Conditions:
Combined immunodeficiency due to LRBA deficiency. Also called: Common variable immunodeficiency 8, with autoimmunity. Identifiers: Orphanet 445018, MedGen C3553512, MONDO:0013863, OMIM 614700.

Allele frequency attached by ClinVar (database versions not stated): gnomAD 0.00001; gnomAD exomes 0.00001; TOPMed 0.00001.
gnomAD v4.1: 14 of 1,613,482 alleles (0.00087%); highest among the groups gnomAD compares: Admixed American, 0.0033%; no homozygotes.

Submissions (2):

Blueprint Genetics
Classification: Uncertain significance. Last evaluated: 2023-08-14. Review status: criteria provided, single submitter. Criteria: ACMG Guidelines, 2015. Collection method: clinical testing. Allele origin: germline.

Labcorp Genetics (formerly Invitae), Labcorp
Classification: Uncertain significance for Combined immunodeficiency due to LRBA deficiency. Last evaluated: 2017-11-24. Review status: criteria provided, single submitter. Criteria: Invitae Variant Classification Sherloc (09022015). Collection method: clinical testing. Allele origin: germline.
Comment: In summary, the available evidence is currently insufficient to determine the role of this variant in disease. Therefore, it has been classified as a Variant of Uncertain Significance. Algorithms developed to predict the effect of sequence changes on RNA splicing suggest that this variant may create or strengthen a splice site, but this prediction has not been confirmed by published transcriptional studies. This variant has not been reported in the literature in individuals with LRBA-related disease. This variant is not present in population databases (ExAC no frequency). This sequence change results in a premature translational stop signal in the LRBA gene (p.Trp2855*). While this is not anticipated to result in nonsense mediated decay, it is expected to delete the last 9 amino acids of the LRBA protein.